The following is an entry in ClinVar:

ClinVar aggregate classification (germline): Uncertain significance (1 of 4 stars; one submission).

Conditions:
Capillary malformation-arteriovenous malformation syndrome. Also called: Capillary malformation-arteriovenous malformation. Identifiers: Orphanet 137667, MedGen C1842180, MONDO:0012016.

Submission:

Labcorp Genetics (formerly Invitae), Labcorp
Classification: Uncertain significance for Capillary malformation-arteriovenous malformation syndrome. Last evaluated: 2023-08-17. Review status: criteria provided, single submitter. Criteria: Invitae Variant Classification Sherloc (09022015). Collection method: clinical testing. Allele origin: germline.
Comment: This sequence change replaces isoleucine, which is neutral and non-polar, with valine, which is neutral and non-polar, at codon 918 of the RASA1 protein (p.Ile918Val). This variant is not present in population databases (gnomAD no frequency). This variant has not been reported in the literature in individuals affected with RASA1-related conditions. An algorithm developed to predict the effect of missense changes on protein structure and function (PolyPhen-2) suggests that this variant is likely to be disruptive. In summary, the available evidence is currently insufficient to determine the role of this variant in disease. Therefore, it has been classified as a Variant of Uncertain Significance.

NM_002890.3(RASA1):c.2752A>G (p.Ile918Val)

Genes: CCNH (cyclin H; minus strand), RASA1 (RAS p21 protein activator 1; plus strand). Cytogenetic location: 5q14.3.
Variant type: single nucleotide variant.
Coding change: c.2752A>G on transcript NM_002890.3 (MANE Select); coding-DNA position 2752, A replaced by G.
Protein change: p.Ile918Val; replaces isoleucine 918 with valine.
Molecular consequence: missense variant. On other transcripts: intron variant (1).
Genome position (GRCh38, 1-based): chr5:87,383,774, A>G. VCF-style: chr5-87383774-A-G. GRCh37 (hg19) VCF-style: chr5-86679591-A-G.
Other names: c.2221A>G, p.Ile741Val (NM_022650.3); c.933+11270T>C (NM_001364075.2); short protein forms I741V, I918V.
Identifiers: ClinVar variation 2753328 (VCV002753328.3), dbSNP rs2531374112, ClinGen allele CA360386424.
Genomic context (GRCh38, chr5:87,383,774, plus strand): 5'-GGTTTTGTTTTTCTTCGACTCATCTGTCCTGCCATCCTGAATCCACGGATGTTCAATATC[A>G]TCTCAGGTAATCAGCTTTTGATACATTTTGAAATTCAAAATATTAGAATTAACAGTTTCA-3'
Protein context (NP_002881.1, residues 908-928): AILNPRMFNI[Ile918Val]SDSPSPIAAR